The following is an entry in ClinVar:

ClinVar aggregate classification (germline): Uncertain significance. Review status: criteria provided, multiple submitters, no conflicts (2 of 4 stars). 3 submissions from 3 submitters: Uncertain significance (3). Last evaluated 2025-10-22.

Conditions:
Malignant hyperthermia, susceptibility to, 1 (MHS1). Also called: Malignant hyperthermia suceptibility 1; RYR1-Related Malignant Hyperthermia Susceptibility; Anesthesia related hyperthermia; Malignant hyperpyrexia; Fulminating hyperpyrexia; Pharmacogenic myopathy. Identifiers: Orphanet 423, MedGen C2930980, MONDO:0007783, OMIM 145600.
RYR1-related disorder. Also called: RYR1-related condition; RYR1-related disorders. Identifiers: MedGen CN239331.

Allele frequency attached by ClinVar (database versions not stated): ExAC 0.00001; gnomAD exomes 0.00001 and 0.00003; TOPMed 0.00002; gnomAD 0.00003.
gnomAD v4.1: 42 of 1,613,684 alleles (0.0026%); highest among the groups gnomAD compares: Non-Finnish European, 0.0035%; no homozygotes.

Submissions (3):

Labcorp Genetics (formerly Invitae), Labcorp
Classification: Uncertain significance for RYR1-related disorder. Last evaluated: 2025-10-22. Review status: criteria provided, single submitter. Criteria: Invitae Variant Classification Sherloc (09022015). Collection method: clinical testing. Allele origin: germline.
Comment: This sequence change falls in intron 72 of the RYR1 gene. It does not directly change the encoded amino acid sequence of the RYR1 protein. It affects a nucleotide within the consensus splice site. This variant is present in population databases (rs781599348, gnomAD 0.002%). This variant has not been reported in the literature in individuals affected with RYR1-related conditions. ClinVar contains an entry for this variant (Variation ID: 665344). Variants that disrupt the consensus splice site are a relatively common cause of aberrant splicing (PMID: 17576681, 9536098). Algorithms developed to predict the effect of sequence changes on RNA splicing suggest that this variant may disrupt the consensus splice site. In summary, the available evidence is currently insufficient to determine the role of this variant in disease. Therefore, it has been classified as a Variant of Uncertain Significance.

Color Diagnostics, LLC DBA Color Health
Classification: Uncertain significance for Malignant hyperthermia, susceptibility to, 1. Last evaluated: 2025-07-01. Review status: criteria provided, single submitter. Criteria: ACMG Guidelines, 2015. Collection method: clinical testing. Allele origin: germline.
Comment: This variant causes an A to G nucleotide substitution at the +3 position of intron 72 of the RYR1 gene. Splice site prediction tools suggest that this variant may impact RNA splicing. To our knowledge, RNA studies have not been reported for this variant. This variant has not been reported in individuals affected with RYR1-related disorders in the literature. This variant has been identified in 2/251396 chromosomes in the general population by the Genome Aggregation Database (gnomAD). The available evidence is insufficient to determine the role of this variant in disease conclusively. Therefore, this variant is classified as a Variant of Uncertain Significance.

All of Us Research Program, National Institutes of Health
Classification: Uncertain significance for Malignant hyperthermia, susceptibility to, 1. Last evaluated: 2024-09-17. Review status: criteria provided, single submitter. Criteria: ACMG Guidelines, 2015. Collection method: clinical testing. Allele origin: germline. Inheritance: Autosomal dominant inheritance. Observed: 6 variant alleles, 6 heterozygotes.
Comment: This variant causes an A to G nucleotide substitution at the +3 position of intron 72 of the RYR1 gene. To our knowledge, functional studies have not been reported for this variant. This variant has not been reported in individuals affected with RYR1-related disorders in the literature. This variant has been identified in 2/251396 chromosomes in the general population by the Genome Aggregation Database (gnomAD). The available evidence is insufficient to determine the role of this variant in disease conclusively. Therefore, this variant is classified as a Variant of Uncertain Significance.

This study involves interpretation of variants in research participants for the purpose of population health screening. Participant phenotype was not available at the time of variant classification. Additional details can be found in publication PMID: 35346344, PMCID: PMC8962531

Literature cited by the submitters: PubMed 17576681 (cited by Labcorp Genetics (formerly Invitae), Labcorp); PubMed 9536098 (cited by Labcorp Genetics (formerly Invitae), Labcorp).

NM_000540.3(RYR1):c.10686+3A>G

Gene: RYR1 (ryanodine receptor 1; plus strand). Cytogenetic location: 19q13.2.
Variant type: single nucleotide variant.
Coding change: c.10686+3A>G on transcript NM_000540.3 (MANE Select); 3 bases into the intron after coding-DNA position 10686, A replaced by G.
Molecular consequence: intron variant.
Genome position (GRCh38, 1-based): chr19:38,527,055, A>G. VCF-style: chr19-38527055-A-G. GRCh37 (hg19) VCF-style: chr19-39017695-A-G.
Other names: c.10671+3A>G (NM_001042723.2).
Identifiers: ClinVar variation 665344 (VCV000665344.9), dbSNP rs781599348, ClinGen allele CA054362.